The following is an entry in ClinVar:

NM_001122769.3(LCA5):c.1604_1606del (p.Glu535del)

Gene: LCA5 (lebercilin LCA5; minus strand). Cytogenetic location: 6q14.1.
Variant type: Deletion.
Coding change: c.1604_1606del on transcript NM_001122769.3 (MANE Select); coding-DNA positions 1604 to 1606, 3 bases deleted (AAG; older notation c.1604_1606delAAG).
Protein change: p.Glu535del; deletes glutamic acid 535.
Molecular consequence: inframe deletion.
Genome position (GRCh38, 1-based): chr6:79,487,492-79,487,494, CTT deleted on the plus strand (AAG on the coding strand, the reverse complement: LCA5 is on the minus strand); deleting any 3 consecutive bases within chr6:79,487,492-79,487,496 gives the same sequence; the c. name uses the placement nearest the transcript's 3' end. VCF-style (leftmost placement, unchanged base first): chr6-79487491-CCTT-C. GRCh37 (hg19) VCF-style: chr6-80197208-CCTT-C.
Other names: c.1604_1606del, p.Glu535del (NM_181714.4); short protein forms E535del.
Identifiers: ClinVar variation 1350828 (VCV001350828.3), dbSNP rs1489029522, ClinGen allele CA568599215.

ClinVar aggregate classification (germline): Uncertain significance (1 of 4 stars; one submission).

Submission:

Labcorp Genetics (formerly Invitae), Labcorp
Classification: Uncertain significance. Last evaluated: 2022-02-08. Review status: criteria provided, single submitter. Criteria: Invitae Variant Classification Sherloc (09022015). Collection method: clinical testing. Allele origin: germline.
Comment: This variant, c.1604_1606del, results in the deletion of 1 amino acid(s) of the LCA5 protein (p.Glu535del), but otherwise preserves the integrity of the reading frame. This variant is present in population databases (no rsID available, gnomAD 0.006%). This variant has not been reported in the literature in individuals affected with LCA5-related conditions. Experimental studies and prediction algorithms are not available or were not evaluated, and the functional significance of this variant is currently unknown. Algorithms developed to predict the effect of sequence changes on RNA splicing suggest that this variant may create or strengthen a splice site. In summary, the available evidence is currently insufficient to determine the role of this variant in disease. Therefore, it has been classified as a Variant of Uncertain Significance.